The following is an entry in ClinVar:

NM_014714.4(IFT140):c.3841C>G (p.Leu1281Val)

Gene: IFT140 (intraflagellar transport 140; minus strand). Cytogenetic location: 16p13.3.
Variant type: single nucleotide variant.
Coding change: c.3841C>G on transcript NM_014714.4 (MANE Select); coding-DNA position 3841, C replaced by G.
Protein change: p.Leu1281Val; replaces leucine 1281 with valine.
Molecular consequence: missense variant.
Genome position (GRCh38, 1-based): chr16:1,520,163, G>C on the plus strand (C>G on the coding strand, the complement: IFT140 is on the minus strand). VCF-style: chr16-1520163-G-C. GRCh37 (hg19) VCF-style: chr16-1570164-G-C.
Other names: short protein forms L1281V.
Identifiers: ClinVar variation 1038963 (VCV001038963.10), dbSNP rs1205008767, ClinGen allele CA394224288.

ClinVar aggregate classification (germline): Uncertain significance (1 of 4 stars; one submission).

Conditions:
Saldino-Mainzer syndrome (SRTD9). Also called: CONORENAL SYNDROME; Renal dysplasia, retinal pigmentary dystrophy, cerebellar ataxia and skeletal dysplasia; short-rib thoracic dysplasia 9 with or without polydactyly; SHORT-RIB THORACIC DYSPLASIA 9 WITHOUT POLYDACTYLY. Identifiers: Orphanet 140969, MedGen C1849437, MONDO:0009964, OMIM 266920.

Allele frequency attached by ClinVar (database versions not stated): TOPMed 0.00002; gnomAD 0.00003.
gnomAD v4.1: 7 of 1,614,102 alleles (0.00043%); highest among the groups gnomAD compares: African/African-American, 0.008%; no homozygotes.

Submission:

Labcorp Genetics (formerly Invitae), Labcorp
Classification: Uncertain significance for Saldino-Mainzer syndrome. Last evaluated: 2025-05-05. Review status: criteria provided, single submitter. Criteria: Invitae Variant Classification Sherloc (09022015). Collection method: clinical testing. Allele origin: germline.
Comment: This sequence change replaces leucine, which is neutral and non-polar, with valine, which is neutral and non-polar, at codon 1281 of the IFT140 protein (p.Leu1281Val). This variant is not present in population databases (gnomAD no frequency). This variant has not been reported in the literature in individuals affected with IFT140-related conditions. ClinVar contains an entry for this variant (Variation ID: 1038963). Invitae Evidence Modeling of protein sequence and biophysical properties (such as structural, functional, and spatial information, amino acid conservation, physicochemical variation, residue mobility, and thermodynamic stability) has been performed for this missense variant. However, the output from this modeling did not meet the statistical confidence thresholds required to predict the impact of this variant on IFT140 protein function. In summary, the available evidence is currently insufficient to determine the role of this variant in disease. Therefore, it has been classified as a Variant of Uncertain Significance.